The following is an entry in ClinVar:

NM_005896.4(IDH1):c.608A>G (p.Lys203Arg)

Gene: IDH1 (isocitrate dehydrogenase (NADP(+)) 1; minus strand). Cytogenetic location: 2q34.
Variant type: single nucleotide variant.
Coding change: c.608A>G on transcript NM_005896.4 (MANE Select); coding-DNA position 608, A replaced by G.
Protein change: p.Lys203Arg; replaces lysine 203 with arginine.
Molecular consequence: missense variant.
Genome position (GRCh38, 1-based): chr2:208,243,517, T>C on the plus strand (A>G on the coding strand, the complement: IDH1 is on the minus strand). VCF-style: chr2-208243517-T-C. GRCh37 (hg19) VCF-style: chr2-209108241-T-C.
Other names: c.608A>G, p.Lys203Arg (NM_001282386.1, NM_001282387.1); short protein forms K203R.
Identifiers: ClinVar variation 1751491 (VCV001751491.2), dbSNP rs762089749, ClinGen allele CA2078954.
Genomic context (GRCh38, chr2:208,243,517, plus strand): 5'-AAACGCCCATCATATTTCTTCAGAATAGTGTTTTTGGTGCTCAGATACAAAGGCCAACCC[T>C]TAGACAGAGCCATTTGGAAGGAACTGTGTGCAAAATCTTCAATTGACTTATCTTGATTAT-3'
Protein context (NP_005887.2, residues 193-213): AHSSFQMALS[Lys203Arg]GWPLYLSTKN

ClinVar aggregate classification (germline): Uncertain significance (1 of 4 stars; one submission).

Allele frequency attached by ClinVar (database versions not stated): gnomAD exomes below 0.00001; ExAC 0.00001; gnomAD 0.00001; TOPMed 0.00001.
gnomAD v4.1: 3 of 1,613,742 alleles (0.00019%); highest among the groups gnomAD compares: African/African-American, 0.0027%; no homozygotes.

Submission:

Ambry Genetics
Classification: Uncertain significance. Last evaluated: 2024-03-21. Review status: criteria provided, single submitter. Criteria: Ambry Variant Classification Scheme 2023. Collection method: clinical testing. Allele origin: germline.
Comment: The p.K203R variant (also known as c.608A>G), located in coding exon 4 of the IDH1 gene, results from an A to G substitution at nucleotide position 608. The lysine at codon 203 is replaced by arginine, an amino acid with highly similar properties. This amino acid position is conserved. In addition, this alteration is predicted to be tolerated by in silico analysis. Since supporting evidence is limited at this time, the clinical significance of this alteration remains unclear.